The following is an entry in ClinVar:

ClinVar aggregate classification (germline): Likely benign (1 of 4 stars; one submission).

gnomAD v4.1: 5 of 1,613,966 alleles (0.00031%); highest among the groups gnomAD compares: Admixed American, 0.005%; no homozygotes.

Submission:

CeGaT Center for Human Genetics Tuebingen
Classification: Likely benign. Last evaluated: 2026-08-01. Review status: criteria provided, single submitter. Criteria: CeGaT Center For Human Genetics Tuebingen Variant Classification Criteria Version 2. Collection method: clinical testing. Allele origin: germline. Affected: yes. Observed: 1 variant allele.
Comment: SON: BS2

NM_138927.4(SON):c.2295G>A (p.Met765Ile)

Gene: SON (SON DNA and RNA binding protein; plus strand). Cytogenetic location: 21q22.11.
Variant type: single nucleotide variant.
Coding change: c.2295G>A on transcript NM_138927.4 (MANE Select); coding-DNA position 2295, G replaced by A.
Protein change: p.Met765Ile; replaces methionine 765 with isoleucine.
Molecular consequence: missense variant. On other transcripts: non-coding transcript variant (1), intron variant (1).
Genome position (GRCh38, 1-based): chr21:33,551,526, G>A. VCF-style: chr21-33551526-G-A. GRCh37 (hg19) VCF-style: chr21-34923832-G-A.
Other names: c.2295G>A, p.Met765Ile (NM_001291411.2, NM_032195.3); c.244+5147G>A (NM_001291412.3); short protein forms M765I.
Identifiers: ClinVar variation 5039463 (VCV005039463.1).
Genomic context (GRCh38, chr21:33,551,526, plus strand): 5'-GCTAGCATCCAACACCATGGACTCCCAGATGTTAGCGTCTAGCACCATGGACTCCCAGAT[G>A]TTAGCAACTAGCTCCATGGACTCCCAGATGTTAGCAACTAGCTCCATGGACTCCCAGATG-3'
Protein context (NP_620305.3, residues 755-775): MLASSTMDSQ[Met765Ile]LATSSMDSQM